The following is an entry in ClinVar:

ClinVar aggregate classification (germline): Uncertain significance (1 of 4 stars; one submission).

Allele frequency attached by ClinVar (database versions not stated): gnomAD 0.00001; gnomAD exomes 0.00001; ExAC 0.00002.
gnomAD v4.1: 5 of 1,613,642 alleles (0.00031%); highest among the groups gnomAD compares: South Asian, 0.0022%; no homozygotes.

Submission:

GeneDx
Classification: Uncertain significance. Last evaluated: 2022-02-11. Review status: criteria provided, single submitter. Criteria: GeneDx Variant Classification Process June 2021. Collection method: clinical testing. Allele origin: germline. Affected: yes.
Comment: In silico analysis supports that this missense variant has a deleterious effect on protein structure/function; Has not been previously published as pathogenic or benign to our knowledge

NM_173500.4(TTBK2):c.1019G>A (p.Arg340Gln)

Gene: TTBK2 (tau tubulin kinase 2; minus strand). Cytogenetic location: 15q15.2.
Variant type: single nucleotide variant.
Coding change: c.1019G>A on transcript NM_173500.4 (MANE Select); coding-DNA position 1019, G replaced by A.
Protein change: p.Arg340Gln; replaces arginine 340 with glutamine.
Molecular consequence: missense variant.
Genome position (GRCh38, 1-based): chr15:42,783,597, C>T on the plus strand (G>A on the coding strand, the complement: TTBK2 is on the minus strand). VCF-style: chr15-42783597-C-T. GRCh37 (hg19) VCF-style: chr15-43075795-C-T.
Other names: short protein forms R340Q.
Identifiers: ClinVar variation 1341630 (VCV001341630.2), dbSNP rs745727345, ClinGen allele CA7516980.